The following is an entry in ClinVar:

NM_005535.3(IL12RB1):c.1022-1G>A

Gene: IL12RB1 (interleukin 12 receptor subunit beta 1; minus strand). Cytogenetic location: 19p13.11.
Variant type: single nucleotide variant.
Coding change: c.1022-1G>A on transcript NM_005535.3 (MANE Select); the canonical splice acceptor site of the intron before coding-DNA position 1022, G replaced by A.
Molecular consequence: splice acceptor variant.
Genome position (GRCh38, 1-based): chr19:18,069,714, C>T on the plus strand (G>A on the coding strand, the complement: IL12RB1 is on the minus strand). VCF-style: chr19-18069714-C-T. GRCh37 (hg19) VCF-style: chr19-18180524-C-T.
Other names: c.1142-1G>A (NM_001290024.2); c.1022-1G>A (NM_001290023.2); c.1043-1G>A (NM_001440425.1, NM_001440424.1).
Identifiers: ClinVar variation 1502188 (VCV001502188.8), dbSNP rs2146216467, ClinGen allele CA404779161.

ClinVar aggregate classification (germline): Likely pathogenic (1 of 4 stars; one submission).

Conditions:
Mendelian susceptibility to mycobacterial diseases due to complete IL12RB1 deficiency. Also called: Immunodeficiency 30; IL12RB1 DEFICIENCY. Identifiers: Orphanet 319552, MedGen C4013949, MONDO:0013955, OMIM 614891.

Submission:

Labcorp Genetics (formerly Invitae), Labcorp
Classification: Likely pathogenic for Mendelian susceptibility to mycobacterial diseases due to complete IL12RB1 deficiency. Last evaluated: 2024-07-15. Review status: criteria provided, single submitter. Criteria: Invitae Variant Classification Sherloc (09022015). Collection method: clinical testing. Allele origin: germline.
Comment: This sequence change affects an acceptor splice site in intron 9 of the IL12RB1 gene. It is expected to disrupt RNA splicing. Variants that disrupt the donor or acceptor splice site typically lead to a loss of protein function (PMID: 16199547), and loss-of-function variants in IL12RB1 are known to be pathogenic (PMID: 9603733, 12591909). This variant is not present in population databases (gnomAD no frequency). This variant has not been reported in the literature in individuals affected with IL12RB1-related conditions. ClinVar contains an entry for this variant (Variation ID: 1502188). Algorithms developed to predict the effect of sequence changes on RNA splicing suggest that this variant may disrupt the consensus splice site. In summary, the currently available evidence indicates that the variant is pathogenic, but additional data are needed to prove that conclusively. Therefore, this variant has been classified as Likely Pathogenic.

Literature cited by the submitters: PubMed 16199547; PubMed 9603733; PubMed 12591909.